The following is an entry in ClinVar:

ClinVar aggregate classification (germline): Uncertain significance (1 of 4 stars; one submission).

Conditions:
Gastrointestinal stromal tumor. Also called: Gastrointestinal stroma tumor; Gastrointestinal stromal tumor, somatic. Identifiers: Orphanet 44890, MedGen C0238198, MeSH D046152, MONDO:0011719, OMIM 606764, HP:0100723.

Allele frequency attached by ClinVar (database versions not stated): gnomAD exomes below 0.00001.
gnomAD v4.1: 1 of 1,613,382 alleles (0.000062%); highest among the groups gnomAD compares: South Asian, 0.0011%; no homozygotes.

Submission:

Labcorp Genetics (formerly Invitae), Labcorp
Classification: Uncertain significance for Gastrointestinal stromal tumor. Last evaluated: 2024-09-28. Review status: criteria provided, single submitter. Criteria: Invitae Variant Classification Sherloc (09022015). Collection method: clinical testing. Allele origin: germline.
Comment: This sequence change replaces glutamic acid, which is acidic and polar, with glutamine, which is neutral and polar, at codon 749 of the KIT protein (p.Glu749Gln). This variant is not present in population databases (gnomAD no frequency). This variant has not been reported in the literature in individuals affected with KIT-related conditions. ClinVar contains an entry for this variant (Variation ID: 1436415). An algorithm developed to predict the effect of missense changes on protein structure and function (PolyPhen-2) suggests that this variant is likely to be disruptive. In summary, the available evidence is currently insufficient to determine the role of this variant in disease. Therefore, it has been classified as a Variant of Uncertain Significance.

NM_000222.3(KIT):c.2245G>C (p.Glu749Gln)

Gene: KIT (KIT proto-oncogene, receptor tyrosine kinase; plus strand). Cytogenetic location: 4q12.
Variant type: single nucleotide variant.
Coding change: c.2245G>C on transcript NM_000222.3 (MANE Select); coding-DNA position 2245, G replaced by C.
Protein change: p.Glu749Gln; replaces glutamic acid 749 with glutamine.
Molecular consequence: missense variant.
Genome position (GRCh38, 1-based): chr4:54,731,882, G>C. VCF-style: chr4-54731882-G-C. GRCh37 (hg19) VCF-style: chr4-55598048-G-C.
Other names: c.2233G>C, p.Glu745Gln (NM_001093772.2, NM_001385292.1); c.2248G>C, p.Glu750Gln (NM_001385284.1); c.2242G>C, p.Glu748Gln (NM_001385285.1); c.2230G>C, p.Glu744Gln (NM_001385286.1); c.2236G>C, p.Glu746Gln (NM_001385288.1); c.2245G>C, p.Glu749Gln (NM_001385290.1); short protein forms E746Q, E744Q, E748Q, E749Q, E745Q, E750Q.
Identifiers: ClinVar variation 1436415 (VCV001436415.8), dbSNP rs1560421189, ClinGen allele CA356910838.
Genomic context (GRCh38, chr4:54,731,882, plus strand): 5'-CTGACCTTTATGGTTGTAATTGCTAAGAAAAATCCTCTCTTCCTCACAGGCTCATACATA[G>C]AAAGAGATGTGACTCCCGCCATCATGGAGGATGACGAGTTGGCCCTAGACTTAGAAGACT-3'
Protein context (NP_000213.1, residues 739-759): RRSVRIGSYI[Glu749Gln]RDVTPAIMED